The following is an entry in ClinVar:

NM_001291303.3(FAT4):c.775dup (p.Val259fs)

Gene: FAT4 (FAT atypical cadherin 4; plus strand). Cytogenetic location: 4q28.1.
Variant type: Duplication.
Coding change: c.775dup on transcript NM_001291303.3 (MANE Select); coding-DNA position 775, one base duplicated (G; older notation c.775dupG).
Protein change: p.Val259fs; shifts the reading frame from valine 259.
Molecular consequence: frameshift variant. On other transcripts: intron variant (1).
Genome position (GRCh38, 1-based): chr4:125,317,186, G duplicated; the last of 5 consecutive G bases (chr4:125,317,182-125,317,186); duplicating any one gives the same sequence. VCF-style (leftmost placement, unchanged base first): chr4-125317181-C-CG. GRCh37 (hg19) VCF-style: chr4-126238336-C-CG.
Other names: c.775dup, p.Val259fs (NM_001291285.3, NM_001438396.1, NM_001438397.1 and 1 more transcripts); c.-55+1209dup (NM_001437895.1); short protein forms V259fs.
Identifiers: ClinVar variation 4733707 (VCV004733707.1).

ClinVar aggregate classification (germline): Pathogenic (1 of 4 stars; one submission).

Submission:

Labcorp Genetics (formerly Invitae), Labcorp
Classification: Pathogenic. Last evaluated: 2025-12-26. Review status: criteria provided, single submitter. Criteria: Invitae Variant Classification Sherloc (09022015). Collection method: clinical testing. Allele origin: germline.
Comment: This sequence change creates a premature translational stop signal (p.Val259Glyfs*3) in the FAT4 gene. It is expected to result in an absent or disrupted protein product. Loss-of-function variants in FAT4 are known to be pathogenic (PMID: 24056717, 24913602). This variant is not present in population databases (gnomAD no frequency). This variant has not been reported in the literature in individuals affected with FAT4-related conditions. For these reasons, this variant has been classified as Pathogenic.

Literature cited by the submitters: PubMed 24056717; PubMed 24913602.